The following is an entry in ClinVar:

NM_198271.5(LMOD3):c.6A>G (p.Ser2=)

Genes: LMOD3 (leiomodin 3; minus strand), LOC126806710 (CDK7 strongly-dependent group 2 enhancer GRCh37_chr3:69170601-69171800; plus strand). Cytogenetic location: 3p14.1.
Variant type: single nucleotide variant.
Coding change: c.6A>G on transcript NM_198271.5 (MANE Select); coding-DNA position 6, A replaced by G.
Protein change: p.Ser2=; no amino-acid change (serine 2 retained).
Molecular consequence: synonymous variant.
Genome position (GRCh38, 1-based): chr3:69,122,381, T>C on the plus strand (A>G on the coding strand, the complement: LMOD3 is on the minus strand). VCF-style: chr3-69122381-T-C. GRCh37 (hg19) VCF-style: chr3-69171532-T-C.
Other names: c.6A>G, p.Ser2= (NM_001304418.3).
Identifiers: ClinVar variation 2653961 (VCV002653961.24), dbSNP rs2107528382, ClinGen allele CA434427081.

ClinVar aggregate classification (germline): Likely benign (1 of 4 stars; one submission).

Submission:

CeGaT Center for Human Genetics Tuebingen
Classification: Likely benign. Last evaluated: 2022-07-01. Review status: criteria provided, single submitter. Criteria: CeGaT Center For Human Genetics Tuebingen Variant Classification Criteria Version 2. Collection method: clinical testing. Allele origin: germline. Affected: yes. Observed: 1 variant allele.
Comment: LMOD3: PM2:Supporting, BP4, BP7